The following is an entry in ClinVar:

ClinVar aggregate classification (germline): Likely benign (0 of 4 stars; one submission).

Conditions:
BIRC6-related disorder. Also called: BIRC6-related condition.

Allele frequency attached by ClinVar (database versions not stated): gnomAD 0.00002; ExAC 0.00003; TOPMed 0.00004; gnomAD exomes 0.00006.
gnomAD v4.1: 100 of 1,587,030 alleles (0.0063%); highest among the groups gnomAD compares: Middle Eastern, 1.1%; 3 homozygotes.

Submission:

PreventionGenetics, part of Exact Sciences
Classification: Likely benign for BIRC6-related condition. Last evaluated: 2019-02-20. Review status: no assertion criteria provided. Collection method: clinical testing. Allele origin: germline.
Comment: This variant is classified as likely benign based on ACMG/AMP sequence variant interpretation guidelines (Richards et al. 2015 PMID: 25741868, with internal and published modifications).

NM_016252.4(BIRC6):c.12094+4T>A

Gene: BIRC6 (baculoviral IAP repeat containing 6; plus strand). Cytogenetic location: 2p22.3.
Variant type: single nucleotide variant.
Coding change: c.12094+4T>A on transcript NM_016252.4 (MANE Select); 4 bases into the intron after coding-DNA position 12094, T replaced by A.
Molecular consequence: intron variant.
Genome position (GRCh38, 1-based): chr2:32,529,828, T>A. VCF-style: chr2-32529828-T-A. GRCh37 (hg19) VCF-style: chr2-32754895-T-A.
Other names: c.12091+4T>A (NM_001378125.1).
Identifiers: ClinVar variation 3053755 (VCV003053755.2), dbSNP rs761525396, ClinGen allele CA1605135.
Genomic context (GRCh38, chr2:32,529,828, plus strand): 5'-TAACAGACCCCAGTCTATCAAAAACAGATTCTTATAAAAGACTACACCCTGAAAAAGGTA[T>A]GTGCATAATACTACTTTAAAAATTACAGACTGTCATACAAAGAGGCAGAGATTTCTATAG-3'